The following is an entry in ClinVar:

ClinVar aggregate classification (germline): Uncertain significance (1 of 4 stars; one submission).

Submission:

Ambry Genetics
Classification: Uncertain significance. Last evaluated: 2024-12-27. Review status: criteria provided, single submitter. Criteria: Ambry Variant Classification Scheme 2023. Collection method: clinical testing. Allele origin: germline.
Comment: The p.P518S variant (also known as c.1552C>T), located in coding exon 13 of the GEN1 gene, results from a C to T substitution at nucleotide position 1552. The proline at codon 518 is replaced by serine, an amino acid with similar properties. This amino acid position is conserved. In addition, this alteration is predicted to be tolerated by in silico analysis. Based on the available evidence, the clinical significance of this variant remains unclear.

NM_001130009.3(GEN1):c.1552C>T (p.Pro518Ser)

Gene: GEN1 (GEN1 Holliday junction 5' flap endonuclease; plus strand). Cytogenetic location: 2p24.2.
Variant type: single nucleotide variant.
Coding change: c.1552C>T on transcript NM_001130009.3 (MANE Select); coding-DNA position 1552, C replaced by T.
Protein change: p.Pro518Ser; replaces proline 518 with serine.
Molecular consequence: missense variant.
Genome position (GRCh38, 1-based): chr2:17,780,764, C>T. VCF-style: chr2-17780764-C-T. GRCh37 (hg19) VCF-style: chr2-17962031-C-T.
Other names: c.1552C>T, p.Pro518Ser (NM_182625.5); short protein forms P518S.
Identifiers: ClinVar variation 3853464 (VCV003853464.1).
Genomic context (GRCh38, chr2:17,780,764, plus strand): 5'-GAAATCTTTCATAAGCAGAATTCCAAGTTAAATTCGGGGATTTCCCCTGATCCTACATTA[C>T]CACAGGAATCTATTTCTGCCTCATTGAATAGCTTGCTTTTACCTAAAAATACTCCATGTT-3'
Protein context (NP_001123481.3, residues 508-528): NSGISPDPTL[Pro518Ser]QESISASLNS